The following is an entry in ClinVar:

NM_004329.3(BMPR1A):c.744A>G (p.Val248=)

Gene: BMPR1A (bone morphogenetic protein receptor type 1A; plus strand). Cytogenetic location: 10q23.2.
Variant type: single nucleotide variant.
Coding change: c.744A>G on transcript NM_004329.3 (MANE Select); coding-DNA position 744, A replaced by G.
Protein change: p.Val248=; no amino-acid change (valine 248 retained).
Molecular consequence: synonymous variant.
Genome position (GRCh38, 1-based): chr10:86,917,202, A>G. VCF-style: chr10-86917202-A-G. GRCh37 (hg19) VCF-style: chr10-88676959-A-G.
Identifiers: ClinVar variation 416813 (VCV000416813.18), dbSNP rs1060504910, ClinGen allele CA16613123.

ClinVar aggregate classification (germline): Benign/Likely benign. Review status: criteria provided, multiple submitters, no conflicts (2 of 4 stars). 6 submissions from 6 submitters: Benign (1); Likely benign (5). Last evaluated 2025-02-02.

Conditions:
Juvenile polyposis syndrome (JPS). Identifiers: Orphanet 2929, MedGen C0345893, MONDO:0017380, OMIM 174900.
Hereditary cancer-predisposing syndrome. Also called: Tumor predisposition; Neoplastic Syndromes, Hereditary; Hereditary Cancer Syndrome; Hereditary neoplastic syndrome. Identifiers: Orphanet 140162, MedGen C0027672, MeSH D009386, MONDO:0015356.

Allele frequency attached by ClinVar (database versions not stated): gnomAD exomes below 0.00001.
gnomAD v4.1: 2 of 1,614,130 alleles (0.00012%); highest among the groups gnomAD compares: Non-Finnish European, 0.00017%; no homozygotes.

Submissions (6):

Labcorp Genetics (formerly Invitae), Labcorp
Classification: Likely benign for Juvenile polyposis syndrome. Last evaluated: 2025-02-02. Review status: criteria provided, single submitter. Criteria: Invitae Variant Classification Sherloc (09022015). Collection method: clinical testing. Allele origin: germline.

Myriad Genetics, Inc.
Classification: Benign for Juvenile polyposis syndrome. Last evaluated: 2024-08-05. Review status: criteria provided, single submitter. Criteria: Myriad Autosomal Dominant, Autosomal Recessive and X-Linked Classification Criteria (2023). Collection method: clinical testing. Allele origin: unknown.
Comment: This variant is considered benign. This variant is a silent/synonymous amino acid change and it is not expected to impact splicing.

All of Us Research Program, National Institutes of Health
Classification: Likely benign for Juvenile polyposis syndrome. Last evaluated: 2023-11-30. Review status: criteria provided, single submitter. Criteria: ACMG Guidelines, 2015. Collection method: clinical testing. Allele origin: germline. Inheritance: Autosomal dominant inheritance. Observed: 2 variant alleles, 2 heterozygotes.
Comment: This study involves interpretation of variants in research participants for the purpose of population health screening. Participant phenotype was not available at the time of variant classification. Additional details can be found in publication PMID: 35346344, PMCID: PMC8962531

Quest Diagnostics Nichols Institute San Juan Capistrano
Classification: Likely benign. Last evaluated: 2023-04-17. Review status: criteria provided, single submitter. Criteria: Quest Diagnostics criteria. Collection method: clinical testing. Allele origin: unknown.

Color Diagnostics, LLC DBA Color Health
Classification: Likely benign for Hereditary cancer-predisposing syndrome. Last evaluated: 2019-01-02. Review status: criteria provided, single submitter. Criteria: ACMG Guidelines, 2015. Collection method: clinical testing. Allele origin: germline.

Ambry Genetics
Classification: Likely benign for Hereditary cancer-predisposing syndrome. Last evaluated: 2017-01-06. Review status: criteria provided, single submitter. Criteria: Ambry Variant Classification Scheme 2023. Collection method: clinical testing. Allele origin: germline.